The following is an entry in ClinVar:

ClinVar aggregate classification (germline): Pathogenic (3 of 4 stars; one submission).

Conditions:
Monogenic diabetes. Identifiers: Orphanet 183625, MedGen C3888631, MONDO:0015967.

Submission:

ClinGen Monogenic Diabetes Variant Curation Expert Panel
Classification: Pathogenic for Monogenic diabetes. Last evaluated: 2025-09-02. Review status: reviewed by expert panel. Criteria: ClinGen Diabetes ACMG Specifications HNF4A V3.0.0. Collection method: curation. Allele origin: germline. Inheritance: Autosomal dominant inheritance.
Comment: The c.-169C>T variant in the hepatocyte nuclear factor 4-alpha gene, HNF4A, is a single nucleotide variant within the promoter of NM_175914.5. This variant is absent from gnomAD v2.1.1 and v4.1.0 (PM2_Supporting). This variant is located within a conserved region of the HNF1A/HNF1B binding site in the P2 promoter of HNF4A, which is defined as critical for the protein’s function by the ClinGen MDEP (PM1_Supporting). This variant was identified in four unrelated individuals with non-autoimmune and non-absolute/near-absolute insulin-deficient diabetes (PS4_Moderate; PMID: 20546279, 29408271, 38855865, internal lab contributors). This variant was identified in an individual with a clinical history highly specific for HNF4A-monogenic diabetes (MODY probability calculator result >50%, negative genetic testing for HNF1A, and a family h/o neonatal hypoglycemia) (PP4_Moderate; internal lab contributors). Additionally, this variant segregated with diabetes with six informative meioses in three families (PP1_Strong; PMID: 20546279, 29408271, 38855865). Functional studies provide conflicting evidence regarding whether the c.-169C>T variant results in transactivation below 60% of wildtype (PMID: 20546279, internal lab contributor). Therefore, PS3_Supporting will not be applied. In summary, c.-169C>T meets the criteria to be classified as pathogenic for monogenic diabetes. ACMG/AMP criteria applied, as specified by the ClinGen MDEP VCEP (specification version 3.0.0; approved 6/30/2025): PS4_Moderate, PP1_Strong, PP4_Moderate, PM1_Supporting, PM2_Supporting.

Literature cited by the submitters: PubMed 20546279; PubMed 29408271; PubMed 38855865.

NC_000020.11:g.44355636C>T

Gene: HNF4A (hepatocyte nuclear factor 4 alpha; plus strand). Cytogenetic location: 20q13.12.
Variant type: single nucleotide variant.
Genome position: GRCh38 VCF-style: chr20-44355636-C-T. GRCh37 (hg19) VCF-style: chr20-42984276-C-T.
Identifiers: ClinVar variation 4077386 (VCV004077386.1).
Genomic context (GRCh38, chr20:44,355,636, plus strand): 5'-GCCATGGAGACAGCAACAGTCCCCAGCCGCGGGTTCCCTAAGTGACTGGTTACTCTTTAA[C>T]GTATCCACCCACCTTGGGTGATTAGAAGAATCAATAAGATAACCGGGCGGTGGCAGCTGG-3'